The following is an entry in ClinVar:

ClinVar aggregate classification (germline): Uncertain significance. Review status: criteria provided, multiple submitters, no conflicts (2 of 4 stars). 3 submissions from 3 submitters: Uncertain significance (3). Last evaluated 2025-04-30.

Conditions:
CHD3-related disorder. Also called: CHD3-related condition.

Submissions (3):

Centre for Clinical Genetics and Genomic Diagnostics, Zealand University Hospital
Classification: Uncertain significance. Last evaluated: 2025-04-30. Review status: criteria provided, single submitter. Criteria: ACMG Guidelines, 2015. Collection method: clinical testing. Allele origin: germline.

Women's Health and Genetics/Laboratory Corporation of America, LabCorp
Classification: Uncertain significance. Last evaluated: 2024-05-02. Review status: criteria provided, single submitter. Criteria: LabCorp Variant Classification Summary - May 2015. Collection method: clinical testing. Allele origin: germline.
Comment: Variant summary: CHD3 c.4472G>A (p.Arg1491His) results in a non-conservative amino acid change located in the CHD subfamily II, SANT-like domain of the encoded protein sequence. Five of five in-silico tools predict a damaging effect of the variant on protein function. The variant was absent in 247702 control chromosomes. The available data on variant occurrences in the general population are insufficient to allow any conclusion about variant significance. To our knowledge, no occurrence of c.4472G>A in individuals affected with Snijders Blok-Campeau Syndrome and no experimental evidence demonstrating its impact on protein function have been reported. ClinVar contains an entry for this variant (Variation ID: 2637217). Based on the evidence outlined above, the variant was classified as uncertain significance.

PreventionGenetics, part of Exact Sciences
Classification: Uncertain significance for CHD3-related condition. Last evaluated: 2022-09-25. Review status: criteria provided, single submitter. Criteria: ACMG Guidelines, 2015. Collection method: clinical testing. Allele origin: germline.
Comment: The CHD3 c.4649G>A variant is predicted to result in the amino acid substitution p.Arg1550His. To our knowledge, this variant has not been reported in the literature or in a large population database, indicating this variant is rare. At this time, the clinical significance of this variant is uncertain due to the absence of conclusive functional and genetic evidence.

NM_001005273.3(CHD3):c.4472G>A (p.Arg1491His)

Gene: CHD3 (chromodomain helicase DNA binding protein 3; plus strand). Cytogenetic location: 17p13.1.
Variant type: single nucleotide variant.
Coding change: c.4472G>A on transcript NM_001005273.3 (MANE Select); coding-DNA position 4472, G replaced by A.
Protein change: p.Arg1491His; replaces arginine 1491 with histidine.
Molecular consequence: missense variant.
Genome position (GRCh38, 1-based): chr17:7,906,666, G>A. VCF-style: chr17-7906666-G-A. GRCh37 (hg19) VCF-style: chr17-7809984-G-A.
Other names: c.4649G>A, p.Arg1550His (NM_001005271.3); c.4472G>A, p.Arg1491His (NM_005852.4); short protein forms R1491H, R1550H.
Identifiers: ClinVar variation 2637217 (VCV002637217.3), dbSNP rs2545079624, ClinGen allele CA397946321.